The following is an entry in ClinVar:

ClinVar aggregate classification (germline): Uncertain significance. Review status: criteria provided, multiple submitters, no conflicts (2 of 4 stars). 4 submissions from 4 submitters: Uncertain significance (4). Last evaluated 2026-04-24.

Conditions:
Cardiovascular phenotype. Identifiers: MedGen CN230736.
Cardiac arrhythmia. Also called: Arrhythmia; Cardiac rhythm disease. Identifiers: MedGen C0003811, MONDO:0007263, HP:0011675.
Long QT syndrome (LQTS). Identifiers: MedGen C0023976, MeSH D008133, MONDO:0002442. Disease mechanism: loss of function. Inheritance: Various modes of inheritance.

Submissions (4):

Ambry Genetics
Classification: Uncertain significance for Cardiovascular phenotype. Last evaluated: 2026-04-24. Review status: criteria provided, single submitter. Criteria: Ambry Variant Classification Scheme 2023. Collection method: clinical testing. Allele origin: germline.
Comment: The c.3067_3069delCTC variant (also known as p.L1023del) is located in coding exon 13 of the KCNH2 gene. This variant results from an in-frame CTC deletion at nucleotide positions 3067 to 3069. This results in the in-frame deletion of a leucine at codon 1023. This amino acid position is well conserved in available vertebrate species. In addition, this variant is predicted to be neutral by in silico analysis (Choi Y et al. PLoS ONE. 2012; 7(10):e46688). Based on the available evidence, the clinical significance of this variant remains unclear.

Labcorp Genetics (formerly Invitae), Labcorp
Classification: Uncertain significance for Long QT syndrome. Last evaluated: 2024-11-03. Review status: criteria provided, single submitter. Criteria: Invitae Variant Classification Sherloc (09022015). Collection method: clinical testing. Allele origin: germline.
Comment: This variant, c.3067_3069del, results in the deletion of 1 amino acid(s) of the KCNH2 protein (p.Leu1023del), but otherwise preserves the integrity of the reading frame. This variant is not present in population databases (gnomAD no frequency). This variant has not been reported in the literature in individuals affected with KCNH2-related conditions. ClinVar contains an entry for this variant (Variation ID: 923837). Experimental studies and prediction algorithms are not available or were not evaluated, and the functional significance of this variant is currently unknown. In summary, the available evidence is currently insufficient to determine the role of this variant in disease. Therefore, it has been classified as a Variant of Uncertain Significance.

Color Diagnostics, LLC DBA Color Health
Classification: Uncertain significance for Cardiac arrhythmia. Last evaluated: 2023-09-14. Review status: criteria provided, single submitter. Criteria: ACMG Guidelines, 2015. Collection method: clinical testing. Allele origin: germline.
Comment: This variant causes a deletion of one amino acid in the cytoplasmic domain of the KCNH2 protein. To our knowledge, functional studies have not been reported for this variant. This variant has not been reported in individuals affected with KCNH2-related disorders in the literature. This variant has not been identified in the general population by the Genome Aggregation Database (gnomAD). The available evidence is insufficient to determine the role of this variant in disease conclusively. Therefore, this variant is classified as a Variant of Uncertain Significance.

GeneDx
Classification: Uncertain significance. Last evaluated: 2023-07-26. Review status: criteria provided, single submitter. Criteria: GeneDx Variant Classification Process June 2021. Collection method: clinical testing. Allele origin: germline. Affected: yes.
Comment: Not observed at significant frequency in large population cohorts (gnomAD); In-frame deletion of 1 amino acids in a non-repeat region; In silico analysis supports a deleterious effect on protein structure/function; Has not been previously published as pathogenic or benign to our knowledge

NM_000238.4(KCNH2):c.3064CTC[1] (p.Leu1023del)

Gene: KCNH2 (potassium voltage-gated channel subfamily H member 2; minus strand). Cytogenetic location: 7q36.1.
Variant type: Microsatellite.
Coding change: c.3064CTC[1] on transcript NM_000238.4 (MANE Select); one copy of the 3-base unit CTC starting at c.3064; the reference has two copies in a row; one copy, 3 bases deleted; also written c.3067_3069del.
Protein change: p.Leu1023del; deletes leucine 1023.
Molecular consequence: inframe deletion.
Genome position (GRCh38, 1-based): chr7:150,947,411-150,947,413, GAG deleted on the plus strand (CTC on the coding strand, the reverse complement: KCNH2 is on the minus strand); deleting any 3 consecutive bases within chr7:150,947,411-150,947,417 gives the same sequence; the position shown is the placement nearest the transcript's 3' end. VCF-style (leftmost placement, unchanged base first): chr7-150947410-TGAG-T. GRCh37 (hg19) VCF-style: chr7-150644498-TGAG-T.
Other names: c.3067_3069del (NM_000238.4, NM_000238.2); c.3067_3069delCTC (NM_000238.3); c.2044CTC[1], p.Leu683del (NM_172057.3); short protein forms L1023del, L683del.
Identifiers: ClinVar variation 923837 (VCV000923837.15), dbSNP rs1212065784, ClinGen allele CA835221438.